The following is an entry in ClinVar:

NM_004817.4(TJP2):c.356C>T (p.Pro119Leu)

Gene: TJP2 (tight junction protein 2; plus strand). Cytogenetic location: 9q21.11.
Variant type: single nucleotide variant.
Coding change: c.356C>T on transcript NM_004817.4 (MANE Select); coding-DNA position 356, C replaced by T.
Protein change: p.Pro119Leu; replaces proline 119 with leucine.
Molecular consequence: missense variant.
Genome position (GRCh38, 1-based): chr9:69,220,900, C>T. VCF-style: chr9-69220900-C-T. GRCh37 (hg19) VCF-style: chr9-71835816-C-T.
Other names: c.287C>T, p.Pro96Leu (NM_001170414.2, NM_001369870.1, NM_001369871.1); c.368C>T, p.Pro123Leu (NM_001170415.1, NM_001369874.1, NM_001369875.1); c.449C>T, p.Pro150Leu (NM_001170416.2); c.356C>T, p.Pro119Leu (NM_001369872.1, NM_001369873.1, NM_201629.3); short protein forms P119L, P123L, P150L, P96L.
Identifiers: ClinVar variation 1305090 (VCV001305090.2), dbSNP rs1381055371, ClinGen allele CA373527594.
Genomic context (GRCh38, chr9:69,220,900, plus strand): 5'-TCAGTTGTGATTGTCCTGCGTCCACACTGAGTTTGTTTTGACAACAGGTGGTCAAGAGGC[C>T]CCGGAAGGTCCAGGTGGCCGCACTTCAGGCCAGCCCTCCCCTGGATCAGGATGACCGGGC-3'
Protein context (NP_004808.2, residues 109-129): GKVAAIVVKR[Pro119Leu]RKVQVAALQA

ClinVar aggregate classification (germline): Uncertain significance (1 of 4 stars; one submission).

Allele frequency attached by ClinVar (database versions not stated): TOPMed below 0.00001.
gnomAD v4.1: 1 of 1,612,294 alleles (0.000062%); highest among the groups gnomAD compares: Non-Finnish European, 0.000085%; no homozygotes.

Submission:

GeneDx
Classification: Uncertain significance. Last evaluated: 2019-04-08. Review status: criteria provided, single submitter. Criteria: GeneDx Variant Classification Process June 2021. Collection method: clinical testing. Allele origin: germline. Affected: yes.
Comment: Not observed in large population cohorts (Lek et al., 2016); In silico analysis, which includes protein predictors and evolutionary conservation, supports a deleterious effect; Has not been previously published as pathogenic or benign to our knowledge